The following is an entry in ClinVar:

ClinVar aggregate classification (germline): Uncertain significance (1 of 4 stars; one submission).

Conditions:
DYRK1B-related disorder. Also called: DYRK1B-related condition.

Submission:

PreventionGenetics, part of Exact Sciences
Classification: Uncertain significance for DYRK1B-related condition. Last evaluated: 2025-06-19. Review status: criteria provided, single submitter. Criteria: ACMG Guidelines, 2015. Collection method: clinical testing. Allele origin: germline.
Comment: The DYRK1B c.1456A>T variant is predicted to result in the amino acid substitution p.Ser486Cys. To our knowledge, this variant has not been reported in the literature or in a large population database (gnomAD), indicating this variant is rare. At this time, the clinical significance of this variant is uncertain due to the absence of conclusive functional and genetic evidence.

NM_004714.3(DYRK1B):c.1456A>T (p.Ser486Cys)

Gene: DYRK1B (dual specificity tyrosine phosphorylation regulated kinase 1B; minus strand). Cytogenetic location: 19q13.2.
Variant type: single nucleotide variant.
Coding change: c.1456A>T on transcript NM_004714.3 (MANE Select); coding-DNA position 1456, A replaced by T.
Protein change: p.Ser486Cys; replaces serine 486 with cysteine.
Molecular consequence: missense variant.
Genome position (GRCh38, 1-based): chr19:39,826,242, T>A on the plus strand (A>T on the coding strand, the complement: DYRK1B is on the minus strand). VCF-style: chr19-39826242-T-A. GRCh37 (hg19) VCF-style: chr19-40316882-T-A.
Other names: c.1336A>T, p.Ser446Cys (NM_006483.3); c.1372A>T, p.Ser458Cys (NM_006484.3); short protein forms S458C, S486C, S446C.
Identifiers: ClinVar variation 4999096 (VCV004999096.1).